The following is an entry in ClinVar:

NM_003816.3(ADAM9):c.606+6G>A

Gene: ADAM9 (ADAM metallopeptidase domain 9; plus strand). Cytogenetic location: 8p11.22.
Variant type: single nucleotide variant.
Coding change: c.606+6G>A on transcript NM_003816.3 (MANE Select); 6 bases into the intron after coding-DNA position 606, G replaced by A.
Molecular consequence: intron variant.
Genome position (GRCh38, 1-based): chr8:39,017,420, G>A. VCF-style: chr8-39017420-G-A. GRCh37 (hg19) VCF-style: chr8-38874939-G-A.
Identifiers: ClinVar variation 1953714 (VCV001953714.5), dbSNP rs781401721, ClinGen allele CA4721369.

ClinVar aggregate classification (germline): Uncertain significance (1 of 4 stars; one submission).

Allele frequency attached by ClinVar (database versions not stated): gnomAD 0.00001; gnomAD exomes 0.00001; TOPMed 0.00001; ExAC 0.00004.
gnomAD v4.1: 20 of 1,612,660 alleles (0.0012%); highest among the groups gnomAD compares: Middle Eastern, 0.016%; no homozygotes.

Submission:

Labcorp Genetics (formerly Invitae), Labcorp
Classification: Uncertain significance. Last evaluated: 2022-06-15. Review status: criteria provided, single submitter. Criteria: Invitae Variant Classification Sherloc (09022015). Collection method: clinical testing. Allele origin: germline.
Comment: In summary, the available evidence is currently insufficient to determine the role of this variant in disease. Therefore, it has been classified as a Variant of Uncertain Significance. Variants that disrupt the consensus splice site are a relatively common cause of aberrant splicing (PMID: 17576681, 9536098). Algorithms developed to predict the effect of sequence changes on RNA splicing suggest that this variant is not likely to affect RNA splicing. This variant has not been reported in the literature in individuals affected with ADAM9-related conditions. This variant is present in population databases (rs781401721, gnomAD 0.01%). This sequence change falls in intron 6 of the ADAM9 gene. It does not directly change the encoded amino acid sequence of the ADAM9 protein. It affects a nucleotide within the consensus splice site.

Literature cited by the submitters: PubMed 17576681; PubMed 9536098.